The following is an entry in ClinVar:

ClinVar aggregate classification (germline): Pathogenic/Likely pathogenic. Review status: criteria provided, multiple submitters, no conflicts (2 of 4 stars). 2 submissions from 2 submitters: Pathogenic (1); Likely pathogenic (1). Last evaluated 2026-01-17.

Conditions:
Autosomal recessive inherited pseudoxanthoma elasticum (PXE). Identifiers: Orphanet 758, MedGen CN032334, MONDO:0009925, OMIM 264800.
Pseudoxanthoma elasticum, forme fruste. Also called: Pseudoxanthoma Elasticum, Incomplete; PSEUDOXANTHOMA ELASTICUM, HETEROZYGOUS. Identifiers: Orphanet 758, MedGen C1867450, MONDO:0008333, OMIM 177850.
Arterial calcification, generalized, of infancy, 2. Identifiers: Orphanet 51608, MedGen C3276161, MONDO:0013768, OMIM 614473.

Allele frequency attached by ClinVar (database versions not stated): gnomAD exomes below 0.00001; gnomAD 0.00002; TOPMed 0.00002.
gnomAD v4.1: 5 of 1,613,774 alleles (0.00031%); highest among the groups gnomAD compares: African/African-American, 0.0053%; no homozygotes.

Submissions (2):

Labcorp Genetics (formerly Invitae), Labcorp
Classification: Pathogenic. Last evaluated: 2026-01-17. Review status: criteria provided, single submitter. Criteria: Invitae Variant Classification Sherloc (09022015). Collection method: clinical testing. Allele origin: germline.
Comment: This sequence change creates a premature translational stop signal (p.Trp1170*) in the ABCC6 gene. It is expected to result in an absent or disrupted protein product. Loss-of-function variants in ABCC6 are known to be pathogenic (PMID: 11536079, 17617515). This variant is present in population databases (no rsID available, gnomAD 0.01%). This variant has not been reported in the literature in individuals affected with ABCC6-related conditions. ClinVar contains an entry for this variant (Variation ID: 2420625). For these reasons, this variant has been classified as Pathogenic.

Fulgent Genetics
Classification: Likely pathogenic for Pseudoxanthoma elasticum, forme fruste; Autosomal recessive inherited pseudoxanthoma elasticum; Arterial calcification, generalized, of infancy, 2. Last evaluated: 2024-05-23. Review status: criteria provided, single submitter. Criteria: ACMG Guidelines, 2015. Collection method: clinical testing. Allele origin: germline.

Literature cited by the submitters: PubMed 11536079 (cited by Labcorp Genetics (formerly Invitae), Labcorp); PubMed 17617515 (cited by Labcorp Genetics (formerly Invitae), Labcorp).

NM_001171.6(ABCC6):c.3510G>A (p.Trp1170Ter)

Gene: ABCC6 (ATP binding cassette subfamily C member 6; minus strand). Cytogenetic location: 16p13.11.
Variant type: single nucleotide variant.
Coding change: c.3510G>A on transcript NM_001171.6 (MANE Select); coding-DNA position 3510, G replaced by A.
Protein change: p.Trp1170Ter; replaces tryptophan 1170 with a stop codon.
Molecular consequence: nonsense. On other transcripts: non-coding transcript variant (1).
Genome position (GRCh38, 1-based): chr16:16,161,561, C>T on the plus strand (G>A on the coding strand, the complement: ABCC6 is on the minus strand). VCF-style: chr16-16161561-C-T. GRCh37 (hg19) VCF-style: chr16-16255418-C-T.
Other names: c.3168G>A, p.Trp1056Ter (NM_001351800.1); short protein forms W1056*, W1170*.
Identifiers: ClinVar variation 2420625 (VCV002420625.6), dbSNP rs1249984461, ClinGen allele CA394880203.